The following is an entry in ClinVar:

ClinVar aggregate classification (germline): Uncertain significance. Review status: criteria provided, single submitter (1 of 4 stars). 2 submissions from 2 submitters: Uncertain significance (1). 1 of the submissions does not count toward it. Last evaluated 2025-08-12.

Conditions:
PLXNA4-related disorder. Also called: PLXNA4-related condition.

Allele frequency attached by ClinVar (database versions not stated): ExAC 0.00004; gnomAD exomes 0.00005; gnomAD 0.00008; TOPMed 0.00009.
gnomAD v4.1: 82 of 1,613,574 alleles (0.0051%); highest among the groups gnomAD compares: Middle Eastern, 0.017%; no homozygotes.

Submissions (2):

Ambry Genetics
Classification: Uncertain significance. Last evaluated: 2025-08-12. Review status: criteria provided, single submitter. Criteria: Ambry Variant Classification Scheme 2023. Collection method: clinical testing. Allele origin: germline.

PreventionGenetics, part of Exact Sciences
Classification: Uncertain significance for PLXNA4-related condition. Last evaluated: 2024-07-05. Review status: no assertion criteria provided. Collection method: clinical testing. Allele origin: germline. Not counted in ClinVar's aggregate classification.
Comment: The PLXNA4 c.1972G>A variant is predicted to result in the amino acid substitution p.Val658Ile. To our knowledge, this variant has not been reported in the literature. This variant is reported in 0.039% of alleles in individuals of Ashkenazi Jewish descent in gnomAD. At this time, the clinical significance of this variant is uncertain due to the absence of conclusive functional and genetic evidence.

NM_020911.2(PLXNA4):c.1972G>A (p.Val658Ile)

Gene: PLXNA4 (plexin A4; minus strand). Cytogenetic location: 7q32.3.
Variant type: single nucleotide variant.
Coding change: c.1972G>A on transcript NM_020911.2 (MANE Select); coding-DNA position 1972, G replaced by A.
Protein change: p.Val658Ile; replaces valine 658 with isoleucine.
Molecular consequence: missense variant.
Genome position (GRCh38, 1-based): chr7:132,226,171, C>T on the plus strand (G>A on the coding strand, the complement: PLXNA4 is on the minus strand). VCF-style: chr7-132226171-C-T. GRCh37 (hg19) VCF-style: chr7-131910930-C-T.
Other names: c.1972G>A, p.Val658Ile (NM_001393897.1); short protein forms V658I.
Identifiers: ClinVar variation 2221038 (VCV002221038.6), dbSNP rs771852886, ClinGen allele CA4489944.